The following is an entry in ClinVar:

ClinVar aggregate classification (germline): Uncertain significance (1 of 4 stars; one submission).

Conditions:
Early-infantile DEE. Also called: Ohtahara syndrome; Early infantile epileptic encephalopathy with suppression bursts; Early infantile epileptic encephalopathy. Identifiers: Orphanet 1934, MedGen C0393706, MONDO:0800491.

Submission:

Labcorp Genetics (formerly Invitae), Labcorp
Classification: Uncertain significance for Early-infantile DEE. Last evaluated: 2021-07-18. Review status: criteria provided, single submitter. Criteria: Invitae Variant Classification Sherloc (09022015). Collection method: clinical testing. Allele origin: germline.
Comment: This sequence change replaces methionine with isoleucine at codon 512 of the HCN1 protein (p.Met512Ile). The methionine residue is highly conserved and there is a small physicochemical difference between methionine and isoleucine. This variant is not present in population databases (ExAC no frequency). This variant has not been reported in the literature in individuals with HCN1-related conditions. Advanced modeling of protein sequence and biophysical properties (such as structural, functional, and spatial information, amino acid conservation, physicochemical variation, residue mobility, and thermodynamic stability) performed at Invitae indicates that this missense variant is expected to disrupt HCN1 protein function. In summary, the available evidence is currently insufficient to determine the role of this variant in disease. Therefore, it has been classified as a Variant of Uncertain Significance.

NM_021072.4(HCN1):c.1536G>A (p.Met512Ile)

Gene: HCN1 (hyperpolarization activated cyclic nucleotide gated potassium channel 1; minus strand). Cytogenetic location: 5p12.
Variant type: single nucleotide variant.
Coding change: c.1536G>A on transcript NM_021072.4 (MANE Select); coding-DNA position 1536, G replaced by A.
Protein change: p.Met512Ile; replaces methionine 512 with isoleucine.
Molecular consequence: missense variant.
Genome position (GRCh38, 1-based): chr5:45,303,681, C>T on the plus strand (G>A on the coding strand, the complement: HCN1 is on the minus strand). VCF-style: chr5-45303681-C-T. GRCh37 (hg19) VCF-style: chr5-45303783-C-T.
Other names: short protein forms M512I.
Identifiers: ClinVar variation 1474026 (VCV001474026.9), dbSNP rs2111904917, ClinGen allele CA359702506.